The following is an entry in ClinVar:

ClinVar aggregate classification (germline): Uncertain significance (1 of 4 stars; one submission).

Conditions:
Charcot-Marie-Tooth disease axonal type 2P. Also called: CHARCOT-MARIE-TOOTH NEUROPATHY, TYPE 2P; Charcot-Marie-Tooth Neuropathy Type 2G; CHARCOT-MARIE-TOOTH DISEASE, AXONAL, TYPE 2G; CMT 2G. Identifiers: Orphanet 300319, Orphanet 99941, MedGen C3280797, MONDO:0013753, OMIM 614436.

Allele frequency attached by ClinVar (database versions not stated): ESP Exome Variant Server 0.00008.
gnomAD v4.1: 2 of 1,614,130 alleles (0.00012%); highest among the groups gnomAD compares: African/African-American, 0.0013%; no homozygotes.

Submission:

Labcorp Genetics (formerly Invitae), Labcorp
Classification: Uncertain significance for Charcot-Marie-Tooth disease axonal type 2P. Last evaluated: 2023-11-14. Review status: criteria provided, single submitter. Criteria: Invitae Variant Classification Sherloc (09022015). Collection method: clinical testing. Allele origin: germline.
Comment: This sequence change replaces arginine, which is basic and polar, with proline, which is neutral and non-polar, at codon 273 of the LRSAM1 protein (p.Arg273Pro). This variant is present in population databases (rs368088593, gnomAD 0.01%). This variant has not been reported in the literature in individuals affected with LRSAM1-related conditions. Advanced modeling of protein sequence and biophysical properties (such as structural, functional, and spatial information, amino acid conservation, physicochemical variation, residue mobility, and thermodynamic stability) has been performed at Invitae for this missense variant, however the output from this modeling did not meet the statistical confidence thresholds required to predict the impact of this variant on LRSAM1 protein function. In summary, the available evidence is currently insufficient to determine the role of this variant in disease. Therefore, it has been classified as a Variant of Uncertain Significance.

NM_001005373.4(LRSAM1):c.818G>C (p.Arg273Pro)

Gene: LRSAM1 (leucine rich repeat and sterile alpha motif containing 1; plus strand). Cytogenetic location: 9q33.3.
Variant type: single nucleotide variant.
Coding change: c.818G>C on transcript NM_001005373.4 (MANE Select); coding-DNA position 818, G replaced by C.
Protein change: p.Arg273Pro; replaces arginine 273 with proline.
Molecular consequence: missense variant. On other transcripts: non-coding transcript variant (2).
Genome position (GRCh38, 1-based): chr9:127,479,420, G>C. VCF-style: chr9-127479420-G-C. GRCh37 (hg19) VCF-style: chr9-130241699-G-C.
Other names: c.818G>C, p.Arg273Pro (NM_001005374.4, NM_001190723.3, NM_001384142.1 and 2 more transcripts); c.29G>C, p.Arg10Pro (NM_001384144.1); short protein forms R10P, R273P.
Identifiers: ClinVar variation 2783411 (VCV002783411.3), dbSNP rs368088593, ClinGen allele CA5246717.